The following is an entry in ClinVar:

NM_032447.5(FBN3):c.4496G>T (p.Arg1499Leu)

Gene: FBN3 (fibrillin 3; minus strand). Cytogenetic location: 19p13.2.
Variant type: single nucleotide variant.
Coding change: c.4496G>T on transcript NM_032447.5 (MANE Select); coding-DNA position 4496, G replaced by T.
Protein change: p.Arg1499Leu; replaces arginine 1499 with leucine.
Molecular consequence: missense variant.
Genome position (GRCh38, 1-based): chr19:8,109,349, C>A on the plus strand (G>T on the coding strand, the complement: FBN3 is on the minus strand). VCF-style: chr19-8109349-C-A. GRCh37 (hg19) VCF-style: chr19-8174233-C-A.
Other names: c.4496G>T, p.Arg1499Leu (NM_001321431.2); short protein forms R1499L.
Identifiers: ClinVar variation 2187594 (VCV002187594.4), dbSNP rs758172632, ClinGen allele CA9152022.

ClinVar aggregate classification (germline): Uncertain significance (1 of 4 stars; one submission).

Allele frequency attached by ClinVar (database versions not stated): ExAC 0.00002.
gnomAD v4.1: 9 of 1,614,200 alleles (0.00056%); highest among the groups gnomAD compares: Admixed American, 0.015%; no homozygotes.

Submission:

Labcorp Genetics (formerly Invitae), Labcorp
Classification: Uncertain significance. Last evaluated: 2024-07-17. Review status: criteria provided, single submitter. Criteria: Invitae Variant Classification Sherloc (09022015). Collection method: clinical testing. Allele origin: germline.
Comment: This sequence change replaces arginine, which is basic and polar, with leucine, which is neutral and non-polar, at codon 1499 of the FBN3 protein (p.Arg1499Leu). This variant is present in population databases (rs758172632, gnomAD 0.02%). This variant has not been reported in the literature in individuals affected with FBN3-related conditions. ClinVar contains an entry for this variant (Variation ID: 2187594). Advanced modeling of protein sequence and biophysical properties (such as structural, functional, and spatial information, amino acid conservation, physicochemical variation, residue mobility, and thermodynamic stability) has been performed at Invitae for this missense variant, however the output from this modeling did not meet the statistical confidence thresholds required to predict the impact of this variant on FBN3 protein function. Algorithms developed to predict the effect of sequence changes on RNA splicing suggest that this variant may disrupt the consensus splice site. In summary, the available evidence is currently insufficient to determine the role of this variant in disease. Therefore, it has been classified as a Variant of Uncertain Significance.